The following is an entry in ClinVar:

NM_005477.3(HCN4):c.2887C>T (p.Pro963Ser)

Gene: HCN4 (hyperpolarization activated cyclic nucleotide gated potassium channel 4; minus strand). Cytogenetic location: 15q24.1.
Variant type: single nucleotide variant.
Coding change: c.2887C>T on transcript NM_005477.3 (MANE Select); coding-DNA position 2887, C replaced by T.
Protein change: p.Pro963Ser; replaces proline 963 with serine.
Molecular consequence: missense variant.
Genome position (GRCh38, 1-based): chr15:73,323,206, G>A on the plus strand (C>T on the coding strand, the complement: HCN4 is on the minus strand). VCF-style: chr15-73323206-G-A. GRCh37 (hg19) VCF-style: chr15-73615547-G-A.
Other names: short protein forms P963S.
Identifiers: ClinVar variation 4749514 (VCV004749514.1).
Genomic context (GRCh38, chr15:73,323,206, plus strand): 5'-ACAACTCCCCGGGAGGCTGGCCCAGCTGCCCGGGGCTAGATGACGGGGATCTGGATGAGG[G>A]TGGGGGTGGCAGGAAGTGCTCCGGGAGTCCCAGGCCTCCCCGGGCCCCGGGTGGCGCGGG-3'
Protein context (NP_005468.1, residues 953-973): GLPEHFLPPP[Pro963Ser]SSRSPSSSPG

ClinVar aggregate classification (germline): Uncertain significance (1 of 4 stars; one submission).

Conditions:
Brugada syndrome 8 (BRGDA8). Identifiers: Orphanet 130, MedGen C2751083, MONDO:0013148, OMIM 613123.

gnomAD v4.1: 1 of 1,538,506 alleles (0.000065%); highest among the groups gnomAD compares: Middle Eastern, 0.018%; no homozygotes.

Submission:

Labcorp Genetics (formerly Invitae), Labcorp
Classification: Uncertain significance for Brugada syndrome 8. Last evaluated: 2025-09-23. Review status: criteria provided, single submitter. Criteria: Invitae Variant Classification Sherloc (09022015). Collection method: clinical testing. Allele origin: germline.
Comment: This sequence change replaces proline, which is neutral and non-polar, with serine, which is neutral and polar, at codon 963 of the HCN4 protein (p.Pro963Ser). This variant is not present in population databases (gnomAD no frequency). This variant has not been reported in the literature in individuals affected with HCN4-related conditions. Invitae Evidence Modeling of protein sequence and biophysical properties (such as structural, functional, and spatial information, amino acid conservation, physicochemical variation, residue mobility, and thermodynamic stability) indicates that this missense variant is not expected to disrupt HCN4 protein function with a negative predictive value of 95%. In summary, the available evidence is currently insufficient to determine the role of this variant in disease. Therefore, it has been classified as a Variant of Uncertain Significance.